The following is an entry in ClinVar:

ClinVar aggregate classification (germline): Uncertain significance (1 of 4 stars; one submission).

Submission:

Ambry Genetics
Classification: Uncertain significance. Last evaluated: 2021-09-26. Review status: criteria provided, single submitter. Criteria: Ambry Variant Classification Scheme 2023. Collection method: clinical testing. Allele origin: germline.
Comment: The p.S1442N variant (also known as c.4325G>A), located in coding exon 12 of the MLH3 gene, results from a G to A substitution at nucleotide position 4325. The serine at codon 1442 is replaced by asparagine, an amino acid with highly similar properties. This amino acid position is conserved. In addition, this alteration is predicted to be tolerated by in silico analysis. Since supporting evidence is limited at this time, the clinical significance of this alteration remains unclear.

NM_001040108.2(MLH3):c.4325G>A (p.Ser1442Asn)

Gene: MLH3 (mutL homolog 3; minus strand). Cytogenetic location: 14q24.3.
Variant type: single nucleotide variant.
Coding change: c.4325G>A on transcript NM_001040108.2 (MANE Select); coding-DNA position 4325, G replaced by A.
Protein change: p.Ser1442Asn; replaces serine 1442 with asparagine.
Molecular consequence: missense variant.
Genome position (GRCh38, 1-based): chr14:75,017,119, C>T on the plus strand (G>A on the coding strand, the complement: MLH3 is on the minus strand). VCF-style: chr14-75017119-C-T. GRCh37 (hg19) VCF-style: chr14-75483822-C-T.
Other names: c.4253G>A, p.Ser1418Asn (NM_014381.3); short protein forms S1418N, S1442N.
Identifiers: ClinVar variation 1739728 (VCV001739728.2), dbSNP rs2503032107, ClinGen allele CA390417680.